The following is an entry in ClinVar:

ClinVar aggregate classification (germline): Uncertain significance. Review status: criteria provided, multiple submitters, no conflicts (2 of 4 stars). 2 submissions from 2 submitters: Uncertain significance (2). Last evaluated 2024-07-23.

Conditions:
Dyskeratosis congenita. Identifiers: Orphanet 1775, MedGen C0265965, MONDO:0015780.
Idiopathic Pulmonary Fibrosis. Also called: Idiopathic fibrosing alveolitis, chronic form; idiopathic fibrosing alveolitis. Identifiers: Orphanet 2032, MedGen C1800706, MeSH D054990, MONDO:0800504.
Dyskeratosis congenita, autosomal dominant 2. Identifiers: MedGen C3151443, MONDO:0013521, OMIM 613989.

Allele frequency attached by ClinVar (database versions not stated): gnomAD exomes below 0.00001.
gnomAD v4.1: 2 of 1,613,236 alleles (0.00012%); highest among the groups gnomAD compares: East Asian, 0.0022%; no homozygotes.

Submissions (2):

Ambry Genetics
Classification: Uncertain significance for Dyskeratosis congenita. Last evaluated: 2024-07-23. Review status: criteria provided, single submitter. Criteria: Ambry Variant Classification Scheme 2023. Collection method: clinical testing. Allele origin: germline.
Comment: The p.D516H variant (also known as c.1546G>C), located in coding exon 2 of the TERT gene, results from a G to C substitution at nucleotide position 1546. The aspartic acid at codon 516 is replaced by histidine, an amino acid with similar properties. This amino acid position is conserved. In addition, this alteration is predicted to be deleterious by in silico analysis. Based on the available evidence, the clinical significance of this variant remains unclear.

Labcorp Genetics (formerly Invitae), Labcorp
Classification: Uncertain significance for Dyskeratosis congenita, autosomal dominant 2; Idiopathic Pulmonary Fibrosis. Last evaluated: 2023-09-17. Review status: criteria provided, single submitter. Criteria: Invitae Variant Classification Sherloc (09022015). Collection method: clinical testing. Allele origin: germline.
Comment: This sequence change replaces aspartic acid, which is acidic and polar, with histidine, which is basic and polar, at codon 516 of the TERT protein (p.Asp516His). In summary, the available evidence is currently insufficient to determine the role of this variant in disease. Therefore, it has been classified as a Variant of Uncertain Significance. Advanced modeling of protein sequence and biophysical properties (such as structural, functional, and spatial information, amino acid conservation, physicochemical variation, residue mobility, and thermodynamic stability) performed at Invitae indicates that this missense variant is expected to disrupt TERT protein function. ClinVar contains an entry for this variant (Variation ID: 655637). This variant has not been reported in the literature in individuals affected with TERT-related conditions. This variant is present in population databases (no rsID available, gnomAD 0.006%).

NM_198253.3(TERT):c.1546G>C (p.Asp516His)

Gene: TERT (telomerase reverse transcriptase; minus strand). Cytogenetic location: 5p15.33.
Variant type: single nucleotide variant.
Coding change: c.1546G>C on transcript NM_198253.3 (MANE Select); coding-DNA position 1546, G replaced by C.
Protein change: p.Asp516His; replaces aspartic acid 516 with histidine.
Molecular consequence: missense variant. On other transcripts: non-coding transcript variant (2).
Genome position (GRCh38, 1-based): chr5:1,293,340, C>G on the plus strand (G>C on the coding strand, the complement: TERT is on the minus strand). VCF-style: chr5-1293340-C-G. GRCh37 (hg19) VCF-style: chr5-1293455-C-G.
Other names: c.1546G>C, p.Asp516His (NM_001193376.3); short protein forms D516H.
Identifiers: ClinVar variation 655637 (VCV000655637.10), dbSNP rs1156765768, ClinGen allele CA359085089.